The following is an entry in ClinVar:

NM_015450.3(POT1):c.1686+6T>G

Gene: POT1 (protection of telomeres 1; minus strand). Cytogenetic location: 7q31.33.
Variant type: single nucleotide variant.
Coding change: c.1686+6T>G on transcript NM_015450.3 (MANE Select); 6 bases into the intron after coding-DNA position 1686, T replaced by G.
Molecular consequence: intron variant.
Genome position (GRCh38, 1-based): chr7:124,827,208, A>C on the plus strand (T>G on the coding strand, the complement: POT1 is on the minus strand). VCF-style: chr7-124827208-A-C. GRCh37 (hg19) VCF-style: chr7-124467262-A-C.
Other names: c.1293+6T>G (NM_001042594.2).
Identifiers: ClinVar variation 838253 (VCV000838253.10), dbSNP rs1794651104, ClinGen allele CA916082951.

ClinVar aggregate classification (germline): Uncertain significance (1 of 4 stars; one submission).

Conditions:
Tumor predisposition syndrome 3 (TPDS3). Also called: Glioma susceptibility 9; LONG TELOMERE SYNDROME, POT1-RELATED; POT1 Tumor Predisposition; Melanoma, cutaneous malignant, susceptibility to, 10. Identifiers: Orphanet 618, MedGen C4014476, MONDO:0014368, OMIM 615848.

Submission:

Labcorp Genetics (formerly Invitae), Labcorp
Classification: Uncertain significance for Tumor predisposition syndrome 3. Last evaluated: 2020-04-26. Review status: criteria provided, single submitter. Criteria: Invitae Variant Classification Sherloc (09022015). Collection method: clinical testing. Allele origin: germline.
Comment: In summary, the available evidence is currently insufficient to determine the role of this variant in disease. Therefore, it has been classified as a Variant of Uncertain Significance. Nucleotide substitutions within the consensus splice site are a relatively common cause of aberrant splicing (PMID: 17576681, 9536098). Algorithms developed to predict the effect of sequence changes on RNA splicing suggest that this variant may disrupt the consensus splice site, but this prediction has not been confirmed by published transcriptional studies. This variant has not been reported in the literature in individuals with POT1-related conditions. This variant is not present in population databases (ExAC no frequency). This sequence change falls in intron 17 of the POT1 gene. It does not directly change the encoded amino acid sequence of the POT1 protein, but it affects a nucleotide within the consensus splice site of the intron.

Literature cited by the submitters: PubMed 17576681; PubMed 9536098.